The following is an entry in ClinVar:

ClinVar aggregate classification (germline): Uncertain significance. Review status: criteria provided, multiple submitters, no conflicts (2 of 4 stars). 3 submissions from 3 submitters: Uncertain significance (3). Last evaluated 2025-11-14.

Conditions:
Inborn genetic diseases. Identifiers: MedGen C0950123, MeSH D030342.
Intellectual disability, CASK-related, X-linked. Identifiers: MedGen CN043158.

Allele frequency attached by ClinVar (database versions not stated): gnomAD exomes below 0.00001; gnomAD 0.00001; 1000 Genomes Project 30x 0.00021; 1000 Genomes Project 0.00026.
gnomAD v4.1: 3 of 1,199,489 alleles (0.00025%); highest among the groups gnomAD compares: Non-Finnish European, 0.00034%; no homozygotes.

Submissions (3):

GeneDx
Classification: Uncertain significance. Last evaluated: 2025-11-14. Review status: criteria provided, single submitter. Criteria: GeneDx Variant Classification Process June 2021. Collection method: clinical testing. Allele origin: germline. Affected: yes.
Comment: In silico analysis supports that this missense variant has a deleterious effect on protein structure/function; Has not been previously published as pathogenic or benign to our knowledge

Ambry Genetics
Classification: Uncertain significance for Inborn genetic diseases. Last evaluated: 2025-08-22. Review status: criteria provided, single submitter. Criteria: Ambry Variant Classification Scheme 2023. Collection method: clinical testing. Allele origin: germline.

Labcorp Genetics (formerly Invitae), Labcorp
Classification: Uncertain significance for Intellectual disability, CASK-related, X-linked. Last evaluated: 2023-04-22. Review status: criteria provided, single submitter. Criteria: Invitae Variant Classification Sherloc (09022015). Collection method: clinical testing. Allele origin: germline.
Comment: In summary, the available evidence is currently insufficient to determine the role of this variant in disease. Therefore, it has been classified as a Variant of Uncertain Significance. Advanced modeling of protein sequence and biophysical properties (such as structural, functional, and spatial information, amino acid conservation, physicochemical variation, residue mobility, and thermodynamic stability) has been performed at Invitae for this missense variant, however the output from this modeling did not meet the statistical confidence thresholds required to predict the impact of this variant on CASK protein function. ClinVar contains an entry for this variant (Variation ID: 1908901). This variant has not been reported in the literature in individuals affected with CASK-related conditions. This variant is not present in population databases (gnomAD no frequency). This sequence change replaces aspartic acid, which is acidic and polar, with glycine, which is neutral and non-polar, at codon 330 of the CASK protein (p.Asp330Gly).

NM_001367721.1(CASK):c.989A>G (p.Asp330Gly)

Gene: CASK (calcium/calmodulin dependent serine protein kinase; minus strand). Cytogenetic location: Xp11.4.
Variant type: single nucleotide variant.
Coding change: c.989A>G on transcript NM_001367721.1 (MANE Select); coding-DNA position 989, A replaced by G.
Protein change: p.Asp330Gly; replaces aspartic acid 330 with glycine.
Molecular consequence: missense variant.
Genome position (GRCh38, 1-based): chrX:41,626,630, T>C on the plus strand (A>G on the coding strand, the complement: CASK is on the minus strand). VCF-style: chrX-41626630-T-C. GRCh37 (hg19) VCF-style: chrX-41485883-T-C.
Other names: c.989A>G, p.Asp330Gly (NM_001126054.3, NM_001126055.3, NM_001410745.1 and 1 more transcripts); short protein forms D330G.
Identifiers: ClinVar variation 1908901 (VCV001908901.8), dbSNP rs747786761, ClinGen allele CA329239939.
Genomic context (GRCh38, chrX:41,626,630, plus strand): 5'-CCCACACAGGTGAATAAGTGAATTATCCAATTACCTGAGGAGGTAGGGTCTTCGGAGAAA[T>C]CTGGTAACTCTTCAGGGGGATCCCCATAGAATGAGTTGAATTTGTGACTTGACACAGCGG-3'
Protein context (NP_001354650.1, residues 320-340): FYGDPPEELP[Asp330Gly]FSEDPTSSGL